The following is an entry in ClinVar:

ClinVar aggregate classification (germline): Uncertain significance (0 of 4 stars; one submission).

Conditions:
NADSYN1-related disorder. Also called: NADSYN1-related condition.

gnomAD v4.1: 147 of 1,612,586 alleles (0.0091%); highest among the groups gnomAD compares: Middle Eastern, 0.016%; no homozygotes.

Submission:

PreventionGenetics, part of Exact Sciences
Classification: Uncertain significance for NADSYN1-related condition. Last evaluated: 2024-07-29. Review status: no assertion criteria provided. Collection method: clinical testing. Allele origin: germline.
Comment: The NADSYN1 c.577G>A variant is predicted to result in the amino acid substitution p.Val193Met. To our knowledge, this variant has not been reported in the literature. This variant is reported in 0.028% of alleles in individuals of European (Finnish) descent in gnomAD. At this time, the clinical significance of this variant is uncertain due to the absence of conclusive functional and genetic evidence.

NM_018161.5(NADSYN1):c.577G>A (p.Val193Met)

Gene: NADSYN1 (NAD synthetase 1; plus strand). Cytogenetic location: 11q13.4.
Variant type: single nucleotide variant.
Coding change: c.577G>A on transcript NM_018161.5 (MANE Select); coding-DNA position 577, G replaced by A.
Protein change: p.Val193Met; replaces valine 193 with methionine.
Molecular consequence: missense variant.
Genome position (GRCh38, 1-based): chr11:71,473,597, G>A. VCF-style: chr11-71473597-G-A. GRCh37 (hg19) VCF-style: chr11-71184643-G-A.
Other names: short protein forms V193M.
Identifiers: ClinVar variation 3358552 (VCV003358552.1).